The following is an entry in ClinVar:

NM_173648.4(CCDC141):c.4437T>G (p.Tyr1479Ter)

Gene: CCDC141 (coiled-coil domain containing 141; minus strand). Cytogenetic location: 2q31.2.
Variant type: single nucleotide variant.
Coding change: c.4437T>G on transcript NM_173648.4 (MANE Select); coding-DNA position 4437, T replaced by G.
Protein change: p.Tyr1479Ter; replaces tyrosine 1479 with a stop codon.
Molecular consequence: nonsense.
Genome position (GRCh38, 1-based): chr2:178,834,329, A>C on the plus strand (T>G on the coding strand, the complement: CCDC141 is on the minus strand). VCF-style: chr2-178834329-A-C. GRCh37 (hg19) VCF-style: chr2-179699056-A-C.
Other names: short protein forms Y1479*.
Identifiers: ClinVar variation 2747109 (VCV002747109.2), dbSNP rs539116633, ClinGen allele CA2006491.

ClinVar aggregate classification (germline): Uncertain significance (1 of 4 stars; one submission).

Allele frequency attached by ClinVar (database versions not stated): ExAC 0.00007; 1000 Genomes Project 30x 0.00016; 1000 Genomes Project 0.00020; gnomAD 0.00050; TOPMed 0.00057.
gnomAD v4.1: 134 of 1,536,022 alleles (0.0087%); highest among the groups gnomAD compares: African/African-American, 0.17%; no homozygotes.

Submission:

Labcorp Genetics (formerly Invitae), Labcorp
Classification: Uncertain significance. Last evaluated: 2024-05-06. Review status: criteria provided, single submitter. Criteria: Invitae Variant Classification Sherloc (09022015). Collection method: clinical testing. Allele origin: germline.
Comment: This sequence change creates a premature translational stop signal (p.Tyr1479*) in the CCDC141 gene. While this is not anticipated to result in nonsense mediated decay, it is expected to disrupt the last 52 amino acid(s) of the CCDC141 protein. This variant is present in population databases (rs539116633, gnomAD 0.2%), and has an allele count higher than expected for a pathogenic variant. This variant has not been reported in the literature in individuals affected with CCDC141-related conditions. Experimental studies and prediction algorithms are not available or were not evaluated, and the functional significance of this variant is currently unknown. Algorithms developed to predict the effect of sequence changes on RNA splicing suggest that this variant may create or strengthen a splice site. In summary, the available evidence is currently insufficient to determine the role of this variant in disease. Therefore, it has been classified as a Variant of Uncertain Significance.